The following is an entry in ClinVar:

ClinVar aggregate classification (germline): Uncertain significance (1 of 4 stars; one submission).

Conditions:
Inborn genetic diseases. Identifiers: MedGen C0950123, MeSH D030342.

gnomAD v4.1: 6 of 1,614,178 alleles (0.00037%); highest among the groups gnomAD compares: Admixed American, 0.0017%; no homozygotes.

Submission:

Ambry Genetics
Classification: Uncertain significance for Inborn genetic diseases. Last evaluated: 2024-12-06. Review status: criteria provided, single submitter. Criteria: Ambry Variant Classification Scheme 2023. Collection method: clinical testing. Allele origin: germline.
Comment: The p.P522A variant (also known as c.1564C>G), located in coding exon 7 of the SH2B3 gene, results from a C to G substitution at nucleotide position 1564. The proline at codon 522 is replaced by alanine, an amino acid with highly similar properties. This amino acid position is conserved. In addition, this alteration is predicted to be tolerated by in silico analysis. Based on the available evidence, the clinical significance of this variant remains unclear.

NM_005475.3(SH2B3):c.1564C>G (p.Pro522Ala)

Gene: SH2B3 (SH2B adaptor protein 3; plus strand). Cytogenetic location: 12q24.12.
Variant type: single nucleotide variant.
Coding change: c.1564C>G on transcript NM_005475.3 (MANE Select); coding-DNA position 1564, C replaced by G.
Protein change: p.Pro522Ala; replaces proline 522 with alanine.
Molecular consequence: missense variant.
Genome position (GRCh38, 1-based): chr12:111,448,138, C>G. VCF-style: chr12-111448138-C-G. GRCh37 (hg19) VCF-style: chr12-111885942-C-G.
Other names: c.958C>G, p.Pro320Ala (NM_001291424.1); short protein forms P522A, P320A.
Identifiers: ClinVar variation 3440834 (VCV003440834.1).